The following is an entry in ClinVar:

NM_004364.5(CEBPA):c.118G>T (p.Ala40Ser)

Gene: CEBPA (CCAAT enhancer binding protein alpha; minus strand). Cytogenetic location: 19q13.11.
Variant type: single nucleotide variant.
Coding change: c.118G>T on transcript NM_004364.5 (MANE Select); coding-DNA position 118, G replaced by T.
Protein change: p.Ala40Ser; replaces alanine 40 with serine.
Molecular consequence: missense variant. On other transcripts: 5 prime UTR variant (1).
Genome position (GRCh38, 1-based): chr19:33,302,297, C>A on the plus strand (G>T on the coding strand, the complement: CEBPA is on the minus strand). VCF-style: chr19-33302297-C-A. GRCh37 (hg19) VCF-style: chr19-33793203-C-A.
Other names: c.-240G>T (NM_001285829.2); c.223G>T, p.Ala75Ser (NM_001287424.2); c.76G>T, p.Ala26Ser (NM_001287435.2); short protein forms A26S, A40S, A75S.
Identifiers: ClinVar variation 4827147 (VCV004827147.1).

ClinVar aggregate classification (germline): Uncertain significance (1 of 4 stars; one submission).

Conditions:
Inborn genetic diseases. Identifiers: MedGen C0950123, MeSH D030342.

Submission:

Ambry Genetics
Classification: Uncertain significance for Inborn genetic diseases. Last evaluated: 2026-03-03. Review status: criteria provided, single submitter. Criteria: Ambry Variant Classification Scheme 2023. Collection method: clinical testing. Allele origin: germline.
Comment: The p.A40S variant (also known as c.118G>T), located in coding exon 1 of the CEBPA gene, results from a G to T substitution at nucleotide position 118. The alanine at codon 40 is replaced by serine, an amino acid with similar properties. This amino acid position is conserved. In addition, this alteration is predicted to be tolerated by in silico analysis. Based on the available evidence, the clinical significance of this variant remains unclear.